The following is an entry in ClinVar:

ClinVar aggregate classification (germline): Pathogenic/Likely pathogenic. Review status: criteria provided, multiple submitters, no conflicts (2 of 4 stars). 4 submissions from 4 submitters: Pathogenic (1); Likely pathogenic (2). 1 of the submissions does not count toward it. Last evaluated 2023-02-23.

Conditions:
Charcot-Marie-Tooth disease. Also called: Charcot-Marie-Tooth Hereditary Neuropathy; Charcot-Marie-Tooth Neuropathy. Identifiers: Orphanet 166, MedGen C0007959, MONDO:0015626.
Charcot-Marie-Tooth disease, type I (CMT1). Also called: Charcot-Marie-Tooth, Type 1; Charcot-Marie-Tooth disease type 1. Identifiers: Orphanet 65753, MedGen C0751036, MONDO:0019011.
Charcot-Marie-Tooth disease dominant intermediate D. Also called: Charcot-Marie-Tooth disease dominant intermediate 3; CMT DI3; CHARCOT-MARIE-TOOTH NEUROPATHY, DOMINANT INTERMEDIATE D. Identifiers: Orphanet 100046, MedGen C1843075, MONDO:0011909, OMIM 607791.

Submissions (4):

3billion
Classification: Likely pathogenic for Charcot-Marie-Tooth disease dominant intermediate D. Last evaluated: 2023-02-23. Review status: criteria provided, single submitter. Criteria: ACMG Guidelines, 2015. Collection method: clinical testing. Allele origin: unknown. Affected: yes.
Comment: The variant is not observed in the gnomAD v2.1.1 dataset. Functional studies provide supporting evidence of the variant having a damaging effect on the gene or gene product (PMID: 20461396, 29687021). In silico tool predictions suggest damaging effect of the variant on gene or gene product (REVEL: 0.61; 3Cnet: 0.98). Same nucleotide change resulting in same amino acid change (ClinVar ID: VCV000637330 / PMID: 19691535) and a different missense change at the same codon (p.Arg227Gly / PMID: 20800346) have been previously reported to be associated with MPZ -related disorder. Therefore, this variant is classified as Likely pathogenic according to the recommendation of ACMG/AMP guideline.

Labcorp Genetics (formerly Invitae), Labcorp
Classification: Likely pathogenic for Charcot-Marie-Tooth disease, type I. Last evaluated: 2022-07-03. Review status: criteria provided, single submitter. Criteria: Invitae Variant Classification Sherloc (09022015). Collection method: clinical testing. Allele origin: germline.
Comment: This missense change has been observed in individuals with Charcot-Marie-Tooth disease (PMID: 11673479, 14711881, 19691535). In summary, the currently available evidence indicates that the variant is pathogenic, but additional data are needed to prove that conclusively. Therefore, this variant has been classified as Likely Pathogenic. This variant disrupts the p.Arg227 amino acid residue in MPZ. Other variant(s) that disrupt this residue have been observed in individuals with MPZ-related conditions (PMID: 20800346), which suggests that this may be a clinically significant amino acid residue. Experimental studies have shown that this missense change affects MPZ function (PMID: 11673479, 29687021, 31173589). Algorithms developed to predict the effect of missense changes on protein structure and function are either unavailable or do not agree on the potential impact of this missense change (SIFT: "Deleterious"; PolyPhen-2: "Benign"; Align-GVGD: "Class C0"). ClinVar contains an entry for this variant (Variation ID: 637330). This variant is also known as R198S. This variant is not present in population databases (gnomAD no frequency). This sequence change replaces arginine, which is basic and polar, with serine, which is neutral and polar, at codon 227 of the MPZ protein (p.Arg227Ser).

CeGaT Center for Human Genetics Tuebingen
Classification: Pathogenic. Last evaluated: 2019-09-01. Review status: criteria provided, single submitter. Criteria: CeGaT Center For Human Genetics Tuebingen Variant Classification Criteria Version 2. Collection method: clinical testing. Allele origin: germline. Affected: yes. Observed: 1 variant allele.

Inherited Neuropathy Consortium
Classification: Uncertain significance for Charcot-Marie-Tooth disease. Review status: no assertion criteria provided. Collection method: literature only. Allele origin: germline. Affected: yes. Not counted in ClinVar's aggregate classification.

Literature cited by the submitters: PubMed 29687021 (cited by 3billion and Labcorp Genetics (formerly Invitae), Labcorp); PubMed 19691535 (cited by 3 submitters); PubMed 20800346 (cited by 3billion and Labcorp Genetics (formerly Invitae), Labcorp); PubMed 20461396 (cited by 3billion); PubMed 11673479 (cited by Labcorp Genetics (formerly Invitae), Labcorp); PubMed 14711881 (cited by Labcorp Genetics (formerly Invitae), Labcorp); PubMed 31173589 (cited by Labcorp Genetics (formerly Invitae), Labcorp).

NM_000530.8(MPZ):c.681A>T (p.Arg227Ser)

Gene: MPZ (myelin protein zero; minus strand). Cytogenetic location: 1q23.3.
Variant type: single nucleotide variant.
Coding change: c.681A>T on transcript NM_000530.8 (MANE Select); coding-DNA position 681, A replaced by T.
Protein change: p.Arg227Ser; replaces arginine 227 with serine.
Molecular consequence: missense variant.
Genome position (GRCh38, 1-based): chr1:161,305,942, T>A on the plus strand (A>T on the coding strand, the complement: MPZ is on the minus strand). VCF-style: chr1-161305942-T-A. GRCh37 (hg19) VCF-style: chr1-161275732-T-A.
Other names: c.681A>T, p.Arg227Ser (NM_001315491.2); c.681A>T (LRG_256t1); short protein forms R227S.
Identifiers: ClinVar variation 637330 (VCV000637330.47), dbSNP rs1571817146, ClinGen allele CA343344322.